The following is an entry in ClinVar:

NM_001079668.3(NKX2-1):c.344del (p.Gly115fs)

Genes: NKX2-1 (NK2 homeobox 1; minus strand), SFTA3 (surfactant associated 3; minus strand). Cytogenetic location: 14q13.3.
Variant type: Deletion.
Coding change: c.344del on transcript NM_001079668.3 (MANE Select); coding-DNA position 344, one base deleted (G; older notation c.344delG).
Protein change: p.Gly115fs; shifts the reading frame from glycine 115.
Molecular consequence: frameshift variant.
Genome position (GRCh38, 1-based): chr14:36,519,104, C deleted on the plus strand (G on the coding strand, the reverse complement: NKX2-1 is on the minus strand); the first of 6 consecutive C bases (chr14:36,519,104-36,519,109); deleting any one gives the same sequence. VCF-style (leftmost placement, unchanged base first): chr14-36519103-GC-G. GRCh37 (hg19) VCF-style: chr14-36988308-GC-G.
Other names: c.254del, p.Gly85fs (NM_003317.4); c.344delG (NM_001079668.2); short protein forms G85fs, G115fs.
Identifiers: ClinVar variation 807109 (VCV000807109.46), dbSNP rs587776709, ClinGen allele CA613804717.

ClinVar aggregate classification (germline): Pathogenic/Likely pathogenic. Review status: criteria provided, multiple submitters, no conflicts (2 of 4 stars). 4 submissions from 4 submitters: Pathogenic (3); Likely pathogenic (1). Last evaluated 2026-05-19.

Conditions:
Congenital hypothyroidism. Identifiers: Orphanet 442, MedGen C0010308, MONDO:0018612, HP:0000851.
Brain-lung-thyroid syndrome. Also called: Choreoathetosis, Congenital Hypothyroidism, and Neonatal Respiratory Distress Syndrome (Brain-Lung-Thyroid Syndrome); Choreoathetosis, congenital hypothyroidism, and neonatal respiratory distress; CHOREOATHETOSIS AND CONGENITAL HYPOTHYROIDISM WITH PULMONARY DYSFUNCTION. Identifiers: Orphanet 209905, MedGen C1970269, MONDO:0012593, OMIM 610978.

Submissions (4):

Cambridge Genomics Laboratory, East Genomic Laboratory Hub, NHS Genomic Medicine Service
Classification: Pathogenic for Congenital hypothyroidism. Last evaluated: 2026-05-19. Review status: criteria provided, single submitter. Criteria: ACGS Best Practice Guidelines for Variant Classification in Rare Disease 2020. Collection method: clinical testing. Allele origin: germline. Affected: yes.
Comment: PVS1,PM2

3billion
Classification: Pathogenic for Brain-lung-thyroid syndrome. Last evaluated: 2022-03-22. Review status: criteria provided, single submitter. Criteria: ACMG Guidelines, 2015. Collection method: clinical testing. Allele origin: germline. Affected: yes. Observed: 1 heterozygote.
Comment: Frameshift: predicted to result in a loss or disruption of normal protein function through nonsense-mediated decay (NMD) or protein truncation. Multiple pathogenic variants are reported downstream of the variant. This variant has been reported as pathogenic (ClinVar ID: VCV000807109, PMID:30746413). The variant is observed at an extremely low frequency in the gnomAD v2.1.1 dataset (total allele frequency: 0.0000043). Therefore, this variant is classified as pathogenic according to the recommendation of ACMG/AMP guideline.

Molecular Diagnostics Lab, Nemours Children's Health, Delaware
Classification: Pathogenic for Brain-lung-thyroid syndrome. Last evaluated: 2020-03-20. Review status: criteria provided, single submitter. Criteria: ACMG Guidelines, 2015. Collection method: clinical testing. Allele origin: unknown. Inheritance: Autosomal dominant inheritance. Affected: yes. Observed: 1 heterozygote.

CeGaT Center for Human Genetics Tuebingen
Classification: Likely pathogenic. Last evaluated: 2018-05-01. Review status: criteria provided, single submitter. Criteria: CeGaT Center For Human Genetics Tuebingen Variant Classification Criteria Version 2. Collection method: clinical testing. Allele origin: germline. Affected: yes. Observed: 1 variant allele.

Literature cited by the submitters: PubMed 30746413 (cited by 3billion and Molecular Diagnostics Lab, Nemours Children's Health, Delaware).